The following is an entry in ClinVar:

NM_173076.3(ABCA12):c.5487_5488del (p.Asp1829fs)

Gene: ABCA12 (ATP binding cassette subfamily A member 12; minus strand). Cytogenetic location: 2q35.
Variant type: Deletion.
Coding change: c.5487_5488del on transcript NM_173076.3 (MANE Select); coding-DNA positions 5487 to 5488, 2 bases deleted (CA; older notation c.5487_5488delCA).
Protein change: p.Asp1829fs; shifts the reading frame from aspartic acid 1829.
Molecular consequence: frameshift variant. On other transcripts: non-coding transcript variant (1).
Genome position (GRCh38, 1-based): chr2:214,974,023-214,974,024, TG deleted on the plus strand (CA on the coding strand, the reverse complement: ABCA12 is on the minus strand); deleting any 2 consecutive bases within chr2:214,974,023-214,974,025 gives the same sequence; the c. name uses the placement nearest the transcript's 3' end. VCF-style (leftmost placement, unchanged base first): chr2-214974022-CTG-C. GRCh37 (hg19) VCF-style: chr2-215838746-CTG-C.
Other names: c.4533_4534del, p.Asp1511fs (NM_015657.4); short protein forms D1511fs, D1829fs.
Identifiers: ClinVar variation 2772290 (VCV002772290.3), dbSNP rs2469210131, ClinGen allele CA2697550426.

ClinVar aggregate classification (germline): Pathogenic (1 of 4 stars; one submission).

Submission:

Labcorp Genetics (formerly Invitae), Labcorp
Classification: Pathogenic. Last evaluated: 2023-10-28. Review status: criteria provided, single submitter. Criteria: Invitae Variant Classification Sherloc (09022015). Collection method: clinical testing. Allele origin: germline.
Comment: This sequence change creates a premature translational stop signal (p.Asp1829Glufs*14) in the ABCA12 gene. It is expected to result in an absent or disrupted protein product. Loss-of-function variants in ABCA12 are known to be pathogenic (PMID: 20672373). This variant is not present in population databases (gnomAD no frequency). This variant has not been reported in the literature in individuals affected with ABCA12-related conditions. For these reasons, this variant has been classified as Pathogenic.

Literature cited by the submitters: PubMed 20672373.